The following is an entry in ClinVar:

NM_004304.5(ALK):c.892G>A (p.Ala298Thr)

Gene: ALK (ALK receptor tyrosine kinase; minus strand). Cytogenetic location: 2p23.2.
Variant type: single nucleotide variant.
Coding change: c.892G>A on transcript NM_004304.5 (MANE Select); coding-DNA position 892, G replaced by A.
Protein change: p.Ala298Thr; replaces alanine 298 with threonine.
Molecular consequence: missense variant.
Genome position (GRCh38, 1-based): chr2:29,694,910, C>T on the plus strand (G>A on the coding strand, the complement: ALK is on the minus strand). VCF-style: chr2-29694910-C-T. GRCh37 (hg19) VCF-style: chr2-29917776-C-T.
Other names: short protein forms A298T.
Identifiers: ClinVar variation 404355 (VCV000404355.12), dbSNP rs577240830, ClinGen allele CA1594826.
Genomic context (GRCh38, chr2:29,694,910, plus strand): 5'-CTCTGGGCATCTCCTTAGAACGCTCTGCCCCAGGCCCATCCAGCAAGTCCATCTGGGAGG[C>T]CTCCTCGGAGGGGATGCGGCGCCAGGACCAGCTCTGGTTCCTGAGGTCATGCAGTGGAGG-3'
Protein context (NP_004295.2, residues 288-308): WSWRRIPSEE[Ala298Thr]SQMDLLDGPG

ClinVar aggregate classification (germline): Conflicting classifications of pathogenicity. Review status: criteria provided, conflicting classifications (1 of 4 stars). 4 submissions from 4 submitters: Uncertain significance (3); Likely benign (1). Last evaluated 2026-01-26.

Conditions:
Hereditary cancer-predisposing syndrome. Also called: Tumor predisposition; Neoplastic Syndromes, Hereditary; Hereditary Cancer Syndrome; Hereditary neoplastic syndrome. Identifiers: Orphanet 140162, MedGen C0027672, MeSH D009386, MONDO:0015356.
Neuroblastoma, susceptibility to, 3. Also called: ALK-Related Neuroblastic Tumor Susceptibility. Identifiers: Orphanet 635, MedGen C2751681, MONDO:0013083, OMIM 613014.

Allele frequency attached by ClinVar (database versions not stated): gnomAD exomes below 0.00001; ExAC 0.00001; gnomAD 0.00001; TOPMed 0.00002.
gnomAD v4.1: 8 of 1,614,008 alleles (0.0005%); highest among the groups gnomAD compares: Non-Finnish European, 0.00068%; no homozygotes.

Submissions (4):

Labcorp Genetics (formerly Invitae), Labcorp
Classification: Uncertain significance for Neuroblastoma, susceptibility to, 3. Last evaluated: 2026-01-26. Review status: criteria provided, single submitter. Criteria: Invitae Variant Classification Sherloc (09022015). Collection method: clinical testing. Allele origin: germline.
Comment: This sequence change replaces alanine, which is neutral and non-polar, with threonine, which is neutral and polar, at codon 298 of the ALK protein (p.Ala298Thr). This variant is present in population databases (rs577240830, gnomAD 0.002%). This variant has not been reported in the literature in individuals affected with ALK-related conditions. ClinVar contains an entry for this variant (Variation ID: 404355). An algorithm developed to predict the effect of missense changes on protein structure and function (PolyPhen-2) suggests that this variant is likely to be tolerated. In summary, the available evidence is currently insufficient to determine the role of this variant in disease. Therefore, it has been classified as a Variant of Uncertain Significance.

Ambry Genetics
Classification: Likely benign for Hereditary cancer-predisposing syndrome. Last evaluated: 2025-01-17. Review status: criteria provided, single submitter. Criteria: Ambry Variant Classification Scheme 2023. Collection method: clinical testing. Allele origin: germline.

GeneDx
Classification: Uncertain significance. Last evaluated: 2024-07-30. Review status: criteria provided, single submitter. Criteria: GeneDx Variant Classification Process June 2021. Collection method: clinical testing. Allele origin: germline. Affected: yes.
Comment: Not observed at significant frequency in large population cohorts (gnomAD); In silico analysis indicates that this missense variant does not alter protein structure/function; Has not been previously published as pathogenic or benign to our knowledge

Baylor Genetics
Classification: Uncertain significance for Neuroblastoma, susceptibility to, 3. Last evaluated: 2024-03-11. Review status: criteria provided, single submitter. Criteria: ACMG Guidelines, 2015. Collection method: clinical testing. Allele origin: unknown.